The following is an entry in ClinVar:

NM_024675.4(PALB2):c.159A>T (p.Glu53Asp)

Gene: PALB2 (partner and localizer of BRCA2; minus strand). Cytogenetic location: 16p12.2.
Variant type: single nucleotide variant.
Coding change: c.159A>T on transcript NM_024675.4 (MANE Select); coding-DNA position 159, A replaced by T.
Protein change: p.Glu53Asp; replaces glutamic acid 53 with aspartic acid.
Molecular consequence: missense variant.
Genome position (GRCh38, 1-based): chr16:23,637,902, T>A on the plus strand (A>T on the coding strand, the complement: PALB2 is on the minus strand). VCF-style: chr16-23637902-T-A. GRCh37 (hg19) VCF-style: chr16-23649223-T-A.
Other names: c.99A>T, p.Glu33Asp (NM_001407296.1); c.159A>T, p.Glu53Asp (NM_001407297.1, NM_001407298.1, NM_001407299.1 and 3 more transcripts); c.-727A>T (NM_001407304.1, NM_001407305.1, NM_001407306.1 and 5 more transcripts); short protein forms E33D, E53D.
Identifiers: ClinVar variation 1776078 (VCV001776078.2), dbSNP rs2142456717, ClinGen allele CA395139205.

ClinVar aggregate classification (germline): Uncertain significance (1 of 4 stars; one submission).

Conditions:
Hereditary cancer-predisposing syndrome. Also called: Neoplastic Syndromes, Hereditary; Tumor predisposition; Hereditary Cancer Syndrome; Hereditary neoplastic syndrome. Identifiers: Orphanet 140162, MedGen C0027672, MeSH D009386, MONDO:0015356.

Submission:

Ambry Genetics
Classification: Uncertain significance for Hereditary cancer-predisposing syndrome. Last evaluated: 2017-11-01. Review status: criteria provided, single submitter. Criteria: Ambry Variant Classification Scheme 2023. Collection method: clinical testing. Allele origin: germline.
Comment: The p.E53D variant (also known as c.159A>T), located in coding exon 3 of the PALB2 gene, results from an A to T substitution at nucleotide position 159. The glutamic acid at codon 53 is replaced by aspartic acid, an amino acid with highly similar properties. This amino acid position is well conserved in available vertebrate species. In addition, this alteration is predicted to be tolerated by in silico analysis. Since supporting evidence is limited at this time, the clinical significance of this alteration remains unclear.